The following is an entry in ClinVar:

NM_000257.4(MYH7):c.817G>T (p.Val273Phe)

Gene: MYH7 (myosin heavy chain 7; minus strand). Cytogenetic location: 14q11.2.
Variant type: single nucleotide variant.
Coding change: c.817G>T on transcript NM_000257.4 (MANE Select); coding-DNA position 817, G replaced by T.
Protein change: p.Val273Phe; replaces valine 273 with phenylalanine.
Molecular consequence: missense variant.
Genome position (GRCh38, 1-based): chr14:23,430,979, C>A on the plus strand (G>T on the coding strand, the complement: MYH7 is on the minus strand). VCF-style: chr14-23430979-C-A. GRCh37 (hg19) VCF-style: chr14-23900188-C-A.
Other names: short protein forms V273F.
Identifiers: ClinVar variation 952091 (VCV000952091.1), dbSNP rs1892911147, ClinGen allele CA389051978.

ClinVar aggregate classification (germline): Uncertain significance (1 of 4 stars; one submission).

Conditions:
Hypertrophic cardiomyopathy. Also called: HYPERTROPHIC MYOCARDIOPATHY. Identifiers: Orphanet 217569, MedGen C0007194, MeSH D002312, MONDO:0005045, HP:0001639.

Submission:

Labcorp Genetics (formerly Invitae), Labcorp
Classification: Uncertain significance for Hypertrophic cardiomyopathy. Last evaluated: 2019-09-23. Review status: criteria provided, single submitter. Criteria: Invitae Variant Classification Sherloc (09022015). Collection method: clinical testing. Allele origin: germline.
Comment: This sequence change replaces valine with phenylalanine at codon 273 of the MYH7 protein (p.Val273Phe). The valine residue is highly conserved and there is a small physicochemical difference between valine and phenylalanine. This variant is not present in population databases (ExAC no frequency). This variant has been observed to segregate with clinical features of left ventricular noncompaction in a family (Invitae). Algorithms developed to predict the effect of missense changes on protein structure and function are either unavailable or do not agree on the potential impact of this missense change (SIFT: "Deleterious"; PolyPhen-2: "Probably Damaging"; Align-GVGD: "Class C0"). This variant is found within a region of MYH7 between codons 181 and 937 that contains the majority of the myosin head domain. Missense variants in this region have been shown to be significantly overrepresented in individuals with hypertrophic cardiomyopathy (PMID: 27532257). In summary, the available evidence is currently insufficient to determine the role of this variant in disease. Therefore, it has been classified as a Variant of Uncertain Significance.

Literature cited by the submitters: PubMed 27532257.